The following is an entry in ClinVar:

NM_001110556.2(FLNA):c.-116-2A>G

Gene: FLNA (filamin A; minus strand). Cytogenetic location: Xq28.
Variant type: single nucleotide variant.
Coding change: c.-116-2A>G on transcript NM_001110556.2 (MANE Select); the canonical splice acceptor site of the intron before 116 bases upstream of the start codon, A replaced by G.
Molecular consequence: splice acceptor variant.
Genome position (GRCh38, 1-based): chrX:154,371,363, T>C on the plus strand (A>G on the coding strand, the complement: FLNA is on the minus strand). VCF-style: chrX-154371363-T-C. GRCh37 (hg19) VCF-style: chrX-153599731-T-C.
Other names: c.-116-2A>G (NM_001456.4).
Identifiers: ClinVar variation 4527154 (VCV004527154.1).
Genomic context (GRCh38, chrX:154,371,363, plus strand): 5'-TTAATTAAAGTCGCAGGCACCTAGGCGCGCGGGAGGCGAGGCAGGGAGCAGAGGTTGCGC[T>C]GCGGAGAGAGCGAGCCCTTTAAATGCGGGAGGAGGGCGGGGCCAGAGGGCGGGCCTCCTG-3'

ClinVar aggregate classification (germline): Uncertain significance (1 of 4 stars; one submission).

Submission:

GeneDx
Classification: Uncertain significance. Last evaluated: 2025-04-25. Review status: criteria provided, single submitter. Criteria: GeneDx Variant Classification Process June 2021. Collection method: clinical testing. Allele origin: germline. Affected: yes.
Comment: In silico analysis supports a deleterious effect on splicing; Has not been previously published as pathogenic or benign to our knowledge; No data available from control populations to assess the frequency of this variant; Located in a regulatory region; in the absence of functional studies, the actual effect of this sequence change is unknown